The following is an entry in ClinVar:

NM_000548.5(TSC2):c.976-18G>T

Gene: TSC2 (TSC complex subunit 2; plus strand). Cytogenetic location: 16p13.3.
Variant type: single nucleotide variant.
Coding change: c.976-18G>T on transcript NM_000548.5 (MANE Select); 18 bases into the intron before coding-DNA position 976, G replaced by T.
Molecular consequence: intron variant.
Genome position (GRCh38, 1-based): chr16:2,060,652, G>T. VCF-style: chr16-2060652-G-T. GRCh37 (hg19) VCF-style: chr16-2110653-G-T.
Other names: c.976-18G>T (NM_001114382.3, NM_021055.3, NM_001370405.1 and 3 more transcripts); c.865-18G>T (NM_001318827.2); c.376-18G>T (NM_001318831.2); c.829-18G>T (NM_001318829.2); c.1009-18G>T (NM_001318832.2).
Identifiers: ClinVar variation 2000373 (VCV002000373.4), dbSNP rs2151133746, ClinGen allele CA2580090676.
Genomic context (GRCh38, chr16:2,060,652, plus strand): 5'-TCCCAAGGGTGACTGGGAGGGCGTCCCACAGCAAGCAAGCAGCTCTGACCCTGTGTGCTG[G>T]CCGGGCTCGTGTTCCAGGCCATGGCATGTCCGAACGAGGTGGTGTCCTATGAGATCGTCC-3'

ClinVar aggregate classification (germline): Uncertain significance (1 of 4 stars; one submission).

Conditions:
Tuberous sclerosis 2 (TSC2). Identifiers: Orphanet 805, MedGen C1860707, MONDO:0013199, OMIM 613254.

Submission:

Labcorp Genetics (formerly Invitae), Labcorp
Classification: Uncertain significance for Tuberous sclerosis 2. Last evaluated: 2022-05-29. Review status: criteria provided, single submitter. Criteria: Invitae Variant Classification Sherloc (09022015). Collection method: clinical testing. Allele origin: germline.
Comment: This variant is not present in population databases (gnomAD no frequency). In summary, the available evidence is currently insufficient to determine the role of this variant in disease. Therefore, it has been classified as a Variant of Uncertain Significance. Algorithms developed to predict the effect of sequence changes on RNA splicing suggest that this variant may disrupt the consensus splice site. This variant has not been reported in the literature in individuals affected with TSC2-related conditions. This sequence change falls in intron 10 of the TSC2 gene. It does not directly change the encoded amino acid sequence of the TSC2 protein.